The following is an entry in ClinVar:

NM_001370466.1(NOD2):c.1097G>A (p.Arg366His)

Gene: NOD2 (nucleotide binding oligomerization domain containing 2; plus strand). Cytogenetic location: 16q12.1.
Variant type: single nucleotide variant.
Coding change: c.1097G>A on transcript NM_001370466.1 (MANE Select); coding-DNA position 1097, G replaced by A.
Protein change: p.Arg366His; replaces arginine 366 with histidine.
Molecular consequence: missense variant. On other transcripts: non-coding transcript variant (1).
Genome position (GRCh38, 1-based): chr16:50,711,089, G>A. VCF-style: chr16-50711089-G-A. GRCh37 (hg19) VCF-style: chr16-50745000-G-A.
Other names: c.1097G>A, p.Arg366His (NM_001293557.2); c.1178G>A, p.Arg393His (NM_022162.3); short protein forms R393H, R366H.
Identifiers: ClinVar variation 566850 (VCV000566850.32), dbSNP rs140918872, ClinGen allele CA8051485.

ClinVar aggregate classification (germline): Conflicting classifications of pathogenicity. Review status: criteria provided, conflicting classifications (1 of 4 stars). 4 submissions from 4 submitters: Uncertain significance (1); Likely benign (2). 1 of the submissions does not count toward it. Last evaluated 2025-08-06.

Conditions:
Blau syndrome (BLAUS). Also called: ARTHROCUTANEOUVEAL GRANULOMATOSIS; JABS SYNDROME; GRANULOMATOSIS, FAMILIAL JUVENILE SYSTEMIC; GRANULOMATOSIS, FAMILIAL, BLAU TYPE; GRANULOMATOUS INFLAMMATORY ARTHRITIS, DERMATITIS, AND UVEITIS, FAMILIAL. Identifiers: Orphanet 90340, MedGen C5201146, MONDO:0008523, OMIM 186580.
Yao syndrome. Also called: Susceptibility to Yao syndrome. Identifiers: MedGen C4310620, MONDO:0015019, OMIM 617321.
Inflammatory bowel disease 1 (IBD1). Also called: Inflammatory bowel disease 1, Crohn disease; INFLAMMATORY BOWEL DISEASE (CROHN DISEASE) 1. Identifiers: MedGen CN260071, MONDO:0009960, OMIM 266600.
NOD2-related disorder. Also called: NOD2-related condition.
Regional enteritis. Also called: Enteritis, Granulomatous. Identifiers: MedGen C0678202, MeSH D003424.

Allele frequency attached by ClinVar (database versions not stated): TOPMed 0.00006; gnomAD 0.00007; gnomAD exomes 0.00009 and 0.00013; ExAC 0.00010; 1000 Genomes Project 30x 0.00031; 1000 Genomes Project 0.00040.
gnomAD v4.1: 213 of 1,614,108 alleles (0.013%); highest among the groups gnomAD compares: Non-Finnish European, 0.015%; no homozygotes.

Submissions (4):

Labcorp Genetics (formerly Invitae), Labcorp
Classification: Likely benign for Regional enteritis; Blau syndrome. Last evaluated: 2025-08-06. Review status: criteria provided, single submitter. Criteria: Invitae Variant Classification Sherloc (09022015). Collection method: clinical testing. Allele origin: germline.

CeGaT Center for Human Genetics Tuebingen
Classification: Likely benign. Last evaluated: 2025-06-01. Review status: criteria provided, single submitter. Criteria: CeGaT Center For Human Genetics Tuebingen Variant Classification Criteria Version 2. Collection method: clinical testing. Allele origin: germline. Affected: yes. Observed: 1 variant allele.
Comment: NOD2: BS2

Department of Pathology and Laboratory Medicine, Sinai Health System
Classification: Uncertain significance for Blau syndrome; Inflammatory bowel disease 1; Yao syndrome. Last evaluated: 2022-11-15. Review status: criteria provided, single submitter. Criteria: ACMG Guidelines, 2015. Collection method: research. Allele origin: germline.

PreventionGenetics, part of Exact Sciences
Classification: Uncertain significance for NOD2-related condition. Last evaluated: 2024-04-18. Review status: no assertion criteria provided. Collection method: clinical testing. Allele origin: germline. Not counted in ClinVar's aggregate classification.
Comment: The NOD2 c.1178G>A variant is predicted to result in the amino acid substitution p.Arg393His. This variant has been reported, along with the NOD2 c.2104C>T (p.Arg702Trp) variant, in an individual with Crohn's disease (Sample 6, King et al 2006. PubMed ID: 16278823). This variant is reported in 0.015% of alleles in individuals of European (Non-Finnish) descent in gnomAD, including one homozygous individual, which may be too common to be causative. Although we suspect that this variant may be benign, at this time, the clinical significance of this variant is uncertain due to the absence of conclusive functional and genetic evidence.